The following is an entry in ClinVar:

NM_002858.4(ABCD3):c.692C>T (p.Ala231Val)

Gene: ABCD3 (ATP binding cassette subfamily D member 3; plus strand). Cytogenetic location: 1p21.3.
Variant type: single nucleotide variant.
Coding change: c.692C>T on transcript NM_002858.4 (MANE Select); coding-DNA position 692, C replaced by T.
Protein change: p.Ala231Val; replaces alanine 231 with valine.
Molecular consequence: missense variant.
Genome position (GRCh38, 1-based): chr1:94,480,471, C>T. VCF-style: chr1-94480471-C-T. GRCh37 (hg19) VCF-style: chr1-94946027-C-T.
Other names: short protein forms A231V.
Identifiers: ClinVar variation 2200646 (VCV002200646.4), dbSNP rs538746918, ClinGen allele CA960226.

ClinVar aggregate classification (germline): Uncertain significance (1 of 4 stars; one submission).

Allele frequency attached by ClinVar (database versions not stated): ExAC 0.00002; TOPMed 0.00002; gnomAD exomes 0.00003; gnomAD 0.00005; 1000 Genomes Project 30x 0.00016; 1000 Genomes Project 0.00020.
gnomAD v4.1: 49 of 1,613,718 alleles (0.003%); highest among the groups gnomAD compares: East Asian, 0.0067%; no homozygotes.

Submission:

Labcorp Genetics (formerly Invitae), Labcorp
Classification: Uncertain significance. Last evaluated: 2022-10-09. Review status: criteria provided, single submitter. Criteria: Invitae Variant Classification Sherloc (09022015). Collection method: clinical testing. Allele origin: germline.
Comment: In summary, the available evidence is currently insufficient to determine the role of this variant in disease. Therefore, it has been classified as a Variant of Uncertain Significance. Algorithms developed to predict the effect of missense changes on protein structure and function are either unavailable or do not agree on the potential impact of this missense change (SIFT: "Deleterious"; PolyPhen-2: "Benign"; Align-GVGD: "Class C0"). This variant has not been reported in the literature in individuals affected with ABCD3-related conditions. This variant is present in population databases (rs538746918, gnomAD 0.01%). This sequence change replaces alanine, which is neutral and non-polar, with valine, which is neutral and non-polar, at codon 231 of the ABCD3 protein (p.Ala231Val).